The following is an entry in ClinVar:

NM_006892.4(DNMT3B):c.128C>T (p.Thr43Ile)

Gene: DNMT3B (DNA methyltransferase 3 beta; plus strand). Cytogenetic location: 20q11.21.
Variant type: single nucleotide variant.
Coding change: c.128C>T on transcript NM_006892.4 (MANE Select); coding-DNA position 128, C replaced by T.
Protein change: p.Thr43Ile; replaces threonine 43 with isoleucine.
Molecular consequence: missense variant.
Genome position (GRCh38, 1-based): chr20:32,780,451, C>T. VCF-style: chr20-32780451-C-T. GRCh37 (hg19) VCF-style: chr20-31368257-C-T.
Other names: c.128C>T, p.Thr43Ile (NM_001207055.2, NM_001207056.2, NM_175848.2 and 1 more transcripts); c.164C>T, p.Thr55Ile (NM_175850.3); short protein forms T43I, T55I.
Identifiers: ClinVar variation 653617 (VCV000653617.9), dbSNP rs757214677, ClinGen allele CA9810038.

ClinVar aggregate classification (germline): Uncertain significance. Review status: criteria provided, multiple submitters, no conflicts (2 of 4 stars). 4 submissions from 4 submitters: Uncertain significance (3). 1 of the submissions does not count toward it. Last evaluated 2026-03-19.

Conditions:
Inborn genetic diseases. Identifiers: MedGen C0950123, MeSH D030342.
DNMT3B-related disorder. Also called: DNMT3B-related condition.
Centromeric instability of chromosomes 1,9 and 16 and immunodeficiency (ICF1). Also called: Immunodeficiency-centromeric instability-facial anomalies; CENTROMERIC INSTABILITY, IMMUNODEFICIENCY SYNDROME; IMMUNE DEFICIENCY, VARIABLE, WITH CENTROMERIC INSTABILITY OF CHROMOSOMES 1, 9, AND 16; IMMUNODEFICIENCY SYNDROME, VARIABLE. Identifiers: Orphanet 2268, MedGen C0398788, MONDO:0000133.

Allele frequency attached by ClinVar (database versions not stated): gnomAD exomes below 0.00001 and 0.00002; ExAC 0.00001; gnomAD 0.00003; TOPMed 0.00005.
gnomAD v4.1: 35 of 1,612,976 alleles (0.0022%); highest among the groups gnomAD compares: Non-Finnish European, 0.0029%; no homozygotes.

Submissions (4):

PreventionGenetics, part of Exact Sciences
Classification: Uncertain significance for DNMT3B-related condition. Last evaluated: 2026-03-19. Review status: criteria provided, single submitter. Criteria: ACMG Guidelines, 2015. Collection method: clinical testing. Allele origin: germline.
Comment: The DNMT3B c.128C>T variant is predicted to result in the amino acid substitution p.Thr43Ile. To our knowledge, this variant has not been reported in the literature. This variant is reported in 0.0016% of alleles in individuals of European (Non-Finnish) descent in gnomAD. At this time, the clinical significance of this variant is uncertain due to the absence of conclusive functional and genetic evidence.

Ambry Genetics
Classification: Uncertain significance for Inborn genetic diseases. Last evaluated: 2025-10-06. Review status: criteria provided, single submitter. Criteria: Ambry Variant Classification Scheme 2023. Collection method: clinical testing. Allele origin: germline.

Labcorp Genetics (formerly Invitae), Labcorp
Classification: Uncertain significance for Centromeric instability of chromosomes 1,9 and 16 and immunodeficiency. Last evaluated: 2022-08-23. Review status: criteria provided, single submitter. Criteria: Invitae Variant Classification Sherloc (09022015). Collection method: clinical testing. Allele origin: germline.
Comment: This sequence change replaces threonine, which is neutral and polar, with isoleucine, which is neutral and non-polar, at codon 43 of the DNMT3B protein (p.Thr43Ile). The frequency data for this variant in the population databases is considered unreliable, as metrics indicate poor data quality at this position in the gnomAD database. This variant has not been reported in the literature in individuals affected with DNMT3B-related conditions. ClinVar contains an entry for this variant (Variation ID: 653617). Algorithms developed to predict the effect of missense changes on protein structure and function (SIFT, PolyPhen-2, Align-GVGD) all suggest that this variant is likely to be tolerated. In summary, the available evidence is currently insufficient to determine the role of this variant in disease. Therefore, it has been classified as a Variant of Uncertain Significance.

Department of Pathology and Laboratory Medicine, Sinai Health System
Classification: Uncertain significance. Review status: no assertion criteria provided. Collection method: clinical testing. Allele origin: unknown. Affected: yes. Study: The Canadian Open Genetics Repository (COGR). Not counted in ClinVar's aggregate classification.
Comment: The DNMT3B p.Thr43Ile variant was not identified in the literature nor was it identified in ClinVar, Cosmic or LOVD 3.0, however the variant was identified in dbSNP (ID: rs757214677). The variant was also identified in control databases in 2 of 279740 chromosomes at a frequency of 0.000007 (Genome Aggregation Database Feb 27, 2017). The variant was observed in the following population: European (non-Finnish) in 2 of 128088 chromosomes (freq: 0.000016); it was not observed in the African, Latino, Ashkenazi Jewish, East Asian, European (Finnish), Other and South Asian populations. The variant occurs outside of the splicing consensus sequence and in silico or computational prediction software programs (SpliceSiteFinder, MaxEntScan, NNSPLICE, and GeneSplicer) do not predict a difference in splicing. The p.Thr43 residue is not conserved in mammals and four out of five computational analyses (PolyPhen-2, SIFT, AlignGVGD, and MutationTaster) do not suggest a high likelihood of impact to the protein; however, this information is not predictive enough to rule out pathogenicity. In summary, based on the above information the clinical significance of this variant cannot be determined with certainty at this time. This variant is classified as a variant of uncertain significance.